The following is an entry in ClinVar:

ClinVar aggregate classification (germline): Uncertain significance (0 of 4 stars; one submission).

Conditions:
PLXNA2-related disorder. Also called: PLXNA2-related condition.

Submission:

PreventionGenetics, part of Exact Sciences
Classification: Uncertain significance for PLXNA2-related condition. Last evaluated: 2024-08-22. Review status: no assertion criteria provided. Collection method: clinical testing. Allele origin: germline.
Comment: The PLXNA2 c.2429G>T variant is predicted to result in the amino acid substitution p.Ser810Ile. To our knowledge, this variant has not been reported in the literature or in a large population database, indicating this variant is rare. At this time, the clinical significance of this variant is uncertain due to the absence of conclusive functional and genetic evidence.

NM_025179.4(PLXNA2):c.2429G>T (p.Ser810Ile)

Gene: PLXNA2 (plexin A2; minus strand). Cytogenetic location: 1q32.2.
Variant type: single nucleotide variant.
Coding change: c.2429G>T on transcript NM_025179.4 (MANE Select); coding-DNA position 2429, G replaced by T.
Protein change: p.Ser810Ile; replaces serine 810 with isoleucine.
Molecular consequence: missense variant.
Genome position (GRCh38, 1-based): chr1:208,079,417, C>A on the plus strand (G>T on the coding strand, the complement: PLXNA2 is on the minus strand). VCF-style: chr1-208079417-C-A. GRCh37 (hg19) VCF-style: chr1-208252762-C-A.
Other names: short protein forms S810I.
Identifiers: ClinVar variation 3344852 (VCV003344852.1).
Genomic context (GRCh38, chr1:208,079,417, plus strand): 5'-CGCTCGCCGCTGCACCAGCCACACTCAAACTTCCGGTCGGCCTTGAGGCAGAGGCCGCAG[C>A]TCTCCCGCTGGGCTGCACACTTGTAGAGATGGACTGCAAAGAGAGCAGGTGGTCACAGAT-3'
Protein context (NP_079455.3, residues 800-820): HLYKCAAQRE[Ser810Ile]CGLCLKADRK